The following is an entry in ClinVar:

NM_001077365.2(POMT1):c.229+2T>C

Gene: POMT1 (protein O-mannosyltransferase 1; plus strand). Cytogenetic location: 9q34.13.
Variant type: single nucleotide variant.
Coding change: c.229+2T>C on transcript NM_001077365.2 (MANE Select); the canonical splice donor site of the intron after coding-DNA position 229, T replaced by C.
Molecular consequence: splice donor variant. On other transcripts: intron variant (9).
Genome position (GRCh38, 1-based): chr9:131,506,222, T>C. VCF-style: chr9-131506222-T-C. GRCh37 (hg19) VCF-style: chr9-134381609-T-C.
Other names: c.67+2T>C (NM_001077366.2, NM_001374693.1, NM_001353194.2 and 3 more transcripts); c.-122-181T>C (NM_001353199.2, NM_001136114.2, NM_001353195.2); c.-760-181T>C (NM_001411024.1); c.-80-181T>C (NM_001353200.2); c.229+2T>C (NM_001136113.2, NM_007171.4, NM_001374690.1 and 1 more transcripts); c.-71-1146T>C (NM_001374691.1, NM_001374692.1); c.123-181T>C (NM_001353196.2); c.-30+1882T>C (NM_001374695.1).
Identifiers: ClinVar variation 953462 (VCV000953462.9), dbSNP rs1945782278, ClinGen allele CA375305773.

ClinVar aggregate classification (germline): Likely pathogenic. Review status: criteria provided, multiple submitters, no conflicts (2 of 4 stars). 2 submissions from 2 submitters: Likely pathogenic (2). Last evaluated 2023-02-27.

Conditions:
Muscular dystrophy-dystroglycanopathy (congenital with brain and eye anomalies), type A1 (MDDGA1). Also called: COD-MD SYNDROME; Muscular dystrophy-dystroglycanopathy (congenital with brain and eye anomalies), type A, 1; WALKER-WARBURG SYNDROME OR MUSCLE-EYE-BRAIN DISEASE, POMT1-RELATED; Hydrocephalus, agyria and retinal dysplasia; Hard +/- E syndrome; Warburg syndrome. Identifiers: Orphanet 588, Orphanet 899, MedGen C4284790, MONDO:0009364, OMIM 236670.
Autosomal recessive limb-girdle muscular dystrophy type 2K. Also called: MUSCULAR DYSTROPHY-DYSTROGLYCANOPATHY (LIMB-GIRDLE), TYPE C, 1; MUSCULAR DYSTROPHY, LIMB-GIRDLE, TYPE 2K. Identifiers: Orphanet 86812, MedGen C1836373, MONDO:0012248, OMIM 609308.
Walker-Warburg congenital muscular dystrophy. Also called: Muscular dystrophy-dystroglycanopathy, type A; Walker-Warburg syndrome. Identifiers: Orphanet 899, MedGen C0265221, MONDO:0000171.
Muscular dystrophy-dystroglycanopathy (congenital with impaired intellectual development), type B, 1. Also called: Muscular dystrophy-dystroglycanopathy (congenital with intellectual disability), type B1; MUSCULAR DYSTROPHY, CONGENITAL, POMT1-RELATED. Identifiers: MedGen C5436962, MONDO:0013159, OMIM 613155.

Submissions (2):

Baylor Genetics
Classification: Likely pathogenic for Muscular dystrophy-dystroglycanopathy (congenital with brain and eye anomalies), type A1. Last evaluated: 2023-02-27. Review status: criteria provided, single submitter. Criteria: ACMG Guidelines, 2015. Collection method: clinical testing. Allele origin: unknown.

Labcorp Genetics (formerly Invitae), Labcorp
Classification: Likely pathogenic for Muscular dystrophy-dystroglycanopathy (congenital with impaired intellectual development), type B, 1; Walker-Warburg congenital muscular dystrophy; Autosomal recessive limb-girdle muscular dystrophy type 2K. Last evaluated: 2019-08-30. Review status: criteria provided, single submitter. Criteria: Invitae Variant Classification Sherloc (09022015). Collection method: clinical testing. Allele origin: germline.
Comment: In summary, the currently available evidence indicates that the variant is pathogenic, but additional data are needed to prove that conclusively. Therefore, this variant has been classified as Likely Pathogenic. Donor and acceptor splice site variants typically lead to a loss of protein function (PMID: 16199547), and loss-of-function variants in POMT1 are known to be pathogenic (PMID: 12369018, 15637732, 16575835). This variant has not been reported in the literature in individuals with POMT1-related conditions. This variant is not present in population databases (ExAC no frequency). This sequence change affects a donor splice site in intron 3 of the POMT1 gene. It is expected to disrupt RNA splicing and likely results in an absent or disrupted protein product.

Literature cited by the submitters: PubMed 16199547 (cited by Labcorp Genetics (formerly Invitae), Labcorp); PubMed 12369018 (cited by Labcorp Genetics (formerly Invitae), Labcorp); PubMed 15637732 (cited by Labcorp Genetics (formerly Invitae), Labcorp); PubMed 16575835 (cited by Labcorp Genetics (formerly Invitae), Labcorp).